The following is an entry in ClinVar:

NM_024675.4(PALB2):c.2773G>C (p.Val925Leu)

Gene: PALB2 (partner and localizer of BRCA2; minus strand). Cytogenetic location: 16p12.2.
Variant type: single nucleotide variant.
Coding change: c.2773G>C on transcript NM_024675.4 (MANE Select); coding-DNA position 2773, G replaced by C.
Protein change: p.Val925Leu; replaces valine 925 with leucine.
Molecular consequence: missense variant.
Genome position (GRCh38, 1-based): chr16:23,624,070, C>G on the plus strand (G>C on the coding strand, the complement: PALB2 is on the minus strand). VCF-style: chr16-23624070-C-G. GRCh37 (hg19) VCF-style: chr16-23635391-C-G.
Other names: short protein forms V925L.
Identifiers: ClinVar variation 126681 (VCV000126681.64), dbSNP rs180177125, ClinGen allele CA164110.

ClinVar aggregate classification (germline): Conflicting classifications of pathogenicity. Review status: criteria provided, conflicting classifications (1 of 4 stars). 17 submissions from 16 submitters: Uncertain significance (12); Benign (1); Likely benign (1). 3 of the submissions do not count toward it. Last evaluated 2026-06-11.

Conditions:
PALB2-related disorder. Also called: PALB2-related condition; PALB2-related disorders.
Breast and/or ovarian cancer. Identifiers: MedGen CN221562.
Familial cancer of breast. Also called: Hereditary breast cancer; hereditary breast carcinoma; BREAST CANCER, FAMILIAL. Identifiers: Orphanet 227535, MedGen C0346153, MONDO:0016419, OMIM 114480. Disease mechanism: loss of function.
Fanconi anemia complementation group N. Also called: PALB2-Related Fanconi Anemia. Identifiers: Orphanet 84, MedGen C1835817, MONDO:0012565, OMIM 610832. Disease mechanism: loss of function.
Pancreatic cancer, susceptibility to, 3. Identifiers: Orphanet 1333, MedGen C3150547, MONDO:0013236, OMIM 613348.
Hereditary cancer-predisposing syndrome. Also called: Tumor predisposition; Hereditary neoplastic syndrome; Neoplastic Syndromes, Hereditary; Hereditary Cancer Syndrome. Identifiers: Orphanet 140162, MedGen C0027672, MeSH D009386, MONDO:0015356.

Allele frequency attached by ClinVar (database versions not stated): gnomAD exomes 0.00002; ExAC 0.00003; TOPMed 0.00004; gnomAD 0.00005; ESP Exome Variant Server 0.00008.
gnomAD v4.1: 52 of 1,607,262 alleles (0.0032%); highest among the groups gnomAD compares: Non-Finnish European, 0.0042%; no homozygotes.

Submissions (17):

Women's Health and Genetics/Laboratory Corporation of America, LabCorp
Classification: Uncertain significance. Last evaluated: 2026-06-11. Review status: criteria provided, single submitter. Criteria: LabCorp Variant Classification Summary - May 2015. Collection method: clinical testing. Allele origin: germline.
Comment: Variant summary: PALB2 c.2773G>C (p.Val925Leu) results in a conservative amino acid change in the encoded protein sequence. Algorithms developed to predict the effect of missense changes on protein structure and function are either unavailable or do not agree on the potential impact of this missense change. The variant allele was found at a frequency of 1.6e-05 in 250490 control chromosomes, predominantly at a frequency of 3.5e-05 within the Non-Finnish European subpopulation in the gnomAD database. The available data on variant occurrences in the general population are insufficient to allow any conclusion about variant significance. c.2773G>C has been observed in individual(s) affected with PALB2-related conditions, without strong evidence for causality (Myszka_2018, Papi_2010, Tischkowitz_2008, Hauke_2018). These report(s) do not provide unequivocal conclusions about association of the variant with disease. To our knowledge, no experimental evidence demonstrating an impact on protein function has been reported. The following publications have been ascertained in the context of this evaluation (PMID: 29052111, 19763884, 18288683, 29522266). ClinVar contains an entry for this variant (Variation ID: 126681). Based on the evidence outlined above, the variant was classified as uncertain significance.

Labcorp Genetics (formerly Invitae), Labcorp
Classification: Uncertain significance for Familial cancer of breast. Last evaluated: 2026-01-05. Review status: criteria provided, single submitter. Criteria: Invitae Variant Classification Sherloc (09022015). Collection method: clinical testing. Allele origin: germline.
Comment: This sequence change replaces valine, which is neutral and non-polar, with leucine, which is neutral and non-polar, at codon 925 of the PALB2 protein (p.Val925Leu). The frequency data for this variant in the population databases is considered unreliable, as metrics indicate poor data quality at this position in the gnomAD database. This missense change has been observed in individual(s) with breast cancer and prostate cancer (PMID: 18288683, 19763884, 29052111, 29522266). ClinVar contains an entry for this variant (Variation ID: 126681). Invitae Evidence Modeling of protein sequence and biophysical properties (such as structural, functional, and spatial information, amino acid conservation, physicochemical variation, residue mobility, and thermodynamic stability) indicates that this missense variant is not expected to disrupt PALB2 protein function with a negative predictive value of 80%. In summary, the available evidence is currently insufficient to determine the role of this variant in disease. Therefore, it has been classified as a Variant of Uncertain Significance.

PreventionGenetics, part of Exact Sciences
Classification: Uncertain significance for PALB2-related condition. Last evaluated: 2025-11-09. Review status: criteria provided, single submitter. Criteria: ACMG Guidelines, 2015. Collection method: clinical testing. Allele origin: germline.
Comment: The PALB2 c.2773G>C variant is predicted to result in the amino acid substitution p.Val925Leu. This variant has been reported in individuals with breast or prostate cancer, although conclusive evidence of pathogenicity was not provided (Tischkowitz et al. 2008. PubMed ID: 18288683; Papi et al. 2010. PubMed ID: 19763884; Myszka et al. 2018. PubMed ID: 29052111). This variant is reported in 0.0039% of alleles in individuals of European (Non-Finnish) descent in gnomAD and has conflicting interpretations of pathogenicity in ClinVar ranging from uncertain significance to benign (Variation ID: 126681). At this time, the clinical significance of this variant is uncertain due to the absence of conclusive functional and genetic evidence.

Ambry Genetics
Classification: Likely benign for Hereditary cancer-predisposing syndrome. Last evaluated: 2025-03-24. Review status: criteria provided, single submitter. Criteria: Ambry Variant Classification Scheme 2023. Collection method: clinical testing. Allele origin: germline.

GeneDx
Classification: Uncertain significance. Last evaluated: 2025-03-19. Review status: criteria provided, single submitter. Criteria: GeneDx Variant Classification Process June 2021. Collection method: clinical testing. Allele origin: germline. Affected: yes.
Comment: Not observed at significant frequency in large population cohorts (gnomAD); In silico analysis indicates that this missense variant does not alter protein structure/function; Observed in individuals with breast, ovarian, prostate, or colon cancer (PMID: 18288683, 19763884, 27153395, 28944238, 29052111, 37686625); This variant is associated with the following publications: (PMID: 18288683, 19763884, 26635394, 29052111, 27153395, 24485656, 19609323, 20871615, 17420451, 28944238, 37686625)

Blueprint Genetics
Classification: Uncertain significance. Last evaluated: 2024-10-30. Review status: criteria provided, single submitter. Criteria: ACMG Guidelines, 2015. Collection method: clinical testing. Allele origin: germline.

Myriad Genetics, Inc.
Classification: Benign for Familial cancer of breast. Last evaluated: 2024-10-09. Review status: criteria provided, single submitter. Criteria: Myriad Autosomal Dominant, Autosomal Recessive and X-Linked Classification Criteria (2023). Collection method: clinical testing. Allele origin: unknown.
Comment: This variant is considered benign. This variant is strongly associated with less severe personal and family histories of cancer, typical for individuals without pathogenic variants in this gene [PMID: 25085752]. Homozygosity for this variant has been confirmed in one or more individuals lacking clinical features consistent with gene-specific recessive disease, indicating that this variant is unlikely to be pathogenic.

Color Diagnostics, LLC DBA Color Health
Classification: Uncertain significance for Hereditary cancer-predisposing syndrome. Last evaluated: 2024-10-07. Review status: criteria provided, single submitter. Criteria: ACMG Guidelines, 2015. Collection method: clinical testing. Allele origin: germline.
Comment: This missense variant replaces valine with leucine at codon 925 of the PALB2 protein. Computational prediction suggests that this variant may not impact protein structure and function. To our knowledge, functional studies have not been reported for this variant. This variant has been reported in individuals affected with breast and prostate cancer in the literature (PMID: 18288683, 19763884, 29052111, 29522266) and in a breast cancer case-control meta-analysis in 6/60466 cases and 3/53461 unaffected individuals (PMID: 33471991; Leiden Open Variation Database DB-ID PALB2_010124). This variant also has been detected in an individual older than age 70 years who has never had cancer (FLOSSIES database). This variant has been identified in 4/250490 chromosomes in the general population by the Genome Aggregation Database (gnomAD). The available evidence is insufficient to determine the role of this variant in disease conclusively. Therefore, this variant is classified as a Variant of Uncertain Significance.

CeGaT Center for Human Genetics Tuebingen
Classification: Uncertain significance. Last evaluated: 2024-08-01. Review status: criteria provided, single submitter. Criteria: CeGaT Center For Human Genetics Tuebingen Variant Classification Criteria Version 2. Collection method: clinical testing. Allele origin: germline. Affected: yes. Observed: 1 variant allele.

Baylor Genetics
Classification: Uncertain significance for Familial cancer of breast. Last evaluated: 2024-02-14. Review status: criteria provided, single submitter. Criteria: ACMG Guidelines, 2015. Collection method: clinical testing. Allele origin: unknown.

CHEO Genetics Diagnostic Laboratory, Children's Hospital of Eastern Ontario
Classification: Uncertain significance for Breast and/or ovarian cancer. Last evaluated: 2023-03-23. Review status: criteria provided, single submitter. Criteria: ACMG Guidelines, 2015. Collection method: clinical testing. Allele origin: germline.

Clinical Genetics Laboratory, Skane University Hospital Lund
Classification: Uncertain significance. Last evaluated: 2022-09-09. Review status: criteria provided, single submitter. Criteria: ACMG Guidelines, 2015. Collection method: clinical testing. Allele origin: germline. Affected: yes.

MGZ Medical Genetics Center
Classification: Uncertain significance for Familial cancer of breast. Last evaluated: 2022-04-11. Review status: criteria provided, single submitter. Criteria: ACMG Guidelines, 2015. Collection method: clinical testing. Allele origin: germline. Affected: yes. Observed: 2 variant alleles.
Comment: ACMG criteria applied: PM2_SUP, BP4

Fulgent Genetics
Classification: Uncertain significance for Familial cancer of breast; Fanconi anemia complementation group N; Pancreatic cancer, susceptibility to, 3. Last evaluated: 2021-08-18. Review status: criteria provided, single submitter. Criteria: ACMG Guidelines, 2015. Collection method: clinical testing. Allele origin: unknown.

Leiden Open Variation Database
Classification: Uncertain significance. Last evaluated: 2019-09-30. Review status: no assertion criteria provided. Collection method: curation. Allele origin: germline. Affected: no. Not counted in ClinVar's aggregate classification.
Comment: Curators: Marc Tischkowitz, Arleen D. Auerbach. Submitters to LOVD: Andreas Laner, Marc Tischkowitz, Melissa DeRycke.

Counsyl
Classification: Uncertain significance for Familial cancer of breast. Last evaluated: 2016-10-27. Review status: no assertion criteria provided. Collection method: clinical testing. Allele origin: unknown. Not counted in ClinVar's aggregate classification.

Fulgent Genetics
Classification: Uncertain significance for Familial cancer of breast; Fanconi anemia complementation group N; Pancreatic cancer, susceptibility to, 3. Last evaluated: 2018-10-31. Review status: flagged submission. Criteria: ACMG Guidelines, 2015. Collection method: clinical testing. Allele origin: unknown. Not counted in ClinVar's aggregate classification.
ClinVar note: Reason: This record appears to be redundant with a more recent record from the same submitter.
ClinVar note: Notes: SCV000895001 appears to be redundant with SCV000611497.

Literature cited by the submitters: PubMed 18288683 (cited by 6 submitters); PubMed 19763884 (cited by 4 submitters); PubMed 29052111 (cited by 4 submitters); PubMed 29522266 (cited by 3 submitters); PubMed 28944238 (cited by Ambry Genetics); PubMed 25085752 (cited by Myriad Genetics, Inc.); PubMed 33471991 (cited by Color Diagnostics, LLC DBA Color Health); PubMed 17420451 (cited by Leiden Open Variation Database); PubMed 26635394 (cited by Counsyl); PubMed 27153395 (cited by Counsyl).